The following is an entry in ClinVar:

NM_032119.4(ADGRV1):c.8091C>T (p.Ala2697=)

Gene: ADGRV1 (adhesion G protein-coupled receptor V1; plus strand). Cytogenetic location: 5q14.3.
Variant type: single nucleotide variant.
Coding change: c.8091C>T on transcript NM_032119.4 (MANE Select); coding-DNA position 8091, C replaced by T.
Protein change: p.Ala2697=; no amino-acid change (alanine 2697 retained).
Molecular consequence: synonymous variant. On other transcripts: non-coding transcript variant (1).
Genome position (GRCh38, 1-based): chr5:90,697,082, C>T. VCF-style: chr5-90697082-C-T. GRCh37 (hg19) VCF-style: chr5-89992899-C-T.
Identifiers: ClinVar variation 904005 (VCV000904005.19), dbSNP rs556164327, ClinGen allele CA3340160.

ClinVar aggregate classification (germline): Conflicting classifications of pathogenicity. Review status: criteria provided, conflicting classifications (1 of 4 stars). 6 submissions from 6 submitters: Uncertain significance (1); Benign (1); Likely benign (4). Last evaluated 2026-01-22.

Conditions:
Usher syndrome type 2C. Also called: USHER SYNDROME, TYPE IIC; Usher syndrome, type 2B. Identifiers: Orphanet 231178, Orphanet 886, MedGen C2931213, MONDO:0011558, OMIM 605472.
ADGRV1-related disorder. Also called: ADGRV1-related disorders; ADGRV1-related condition.

Allele frequency attached by ClinVar (database versions not stated): gnomAD below 0.00001 and 0.00013; TOPMed 0.00002; gnomAD exomes 0.00020 and 0.00042; ExAC 0.00042.
gnomAD v4.1: 310 of 1,613,252 alleles (0.019%); highest among the groups gnomAD compares: South Asian, 0.32%; 4 homozygotes.

Submissions (6):

Labcorp Genetics (formerly Invitae), Labcorp
Classification: Benign. Last evaluated: 2026-01-22. Review status: criteria provided, single submitter. Criteria: Invitae Variant Classification Sherloc (09022015). Collection method: clinical testing. Allele origin: germline.

Women's Health and Genetics/Laboratory Corporation of America, LabCorp
Classification: Likely benign. Last evaluated: 2025-09-02. Review status: criteria provided, single submitter. Criteria: LabCorp Variant Classification Summary - May 2015. Collection method: clinical testing. Allele origin: germline.

PreventionGenetics, part of Exact Sciences
Classification: Likely benign for ADGRV1-related condition. Last evaluated: 2024-12-26. Review status: criteria provided, single submitter. Criteria: ACMG Guidelines, 2015. Collection method: clinical testing. Allele origin: germline.
Comment: This variant is classified as likely benign based on ACMG/AMP sequence variant interpretation guidelines (Richards et al. 2015 PMID: 25741868, with internal and published modifications).

Blueprint Genetics
Classification: Likely benign. Last evaluated: 2024-10-30. Review status: criteria provided, single submitter. Criteria: ACMG Guidelines, 2015. Collection method: clinical testing. Allele origin: germline.

Illumina Laboratory Services, Illumina
Classification: Uncertain significance for Usher syndrome type 2C. Last evaluated: 2018-01-12. Review status: criteria provided, single submitter. Criteria: ICSL Variant Classification Criteria 13 December 2019. Collection method: clinical testing. Allele origin: germline.

Laboratory for Molecular Medicine, Mass General Brigham Personalized Medicine
Classification: Likely benign. Last evaluated: 2017-08-23. Review status: criteria provided, single submitter. Criteria: LMM Criteria. Collection method: clinical testing. Allele origin: germline. Observed: 1 variant allele.
Comment: p.Ala2697Ala in exon 34 of GPR98: This variant is not expected to have clinical significance because it does not alter an amino acid residue and is not located within the splice consensus sequence. It has been identified in 0.30% (50/16506) of South Asian chromosomes by the Exome Aggregation Consortium (ExAC; dbSNP rs556164327).